The following is an entry in ClinVar:

NM_019098.5(CNGB3):c.1553_1554insAA (p.Ile519fs)

Gene: CNGB3 (cyclic nucleotide gated channel subunit beta 3; minus strand). Cytogenetic location: 8q21.3.
Variant type: Insertion.
Coding change: c.1553_1554insAA on transcript NM_019098.5 (MANE Select); coding-DNA positions 1553 to 1554, AA inserted.
Protein change: p.Ile519fs; shifts the reading frame from isoleucine 519.
Molecular consequence: frameshift variant.
Genome position: GRCh38 VCF-style: chr8-86626007-G-GTT. GRCh37 (hg19) VCF-style: chr8-87638235-G-GTT.
Other names: short protein forms I519fs.
Identifiers: ClinVar variation 5011254 (VCV005011254.1).

ClinVar aggregate classification (germline): Pathogenic (1 of 4 stars; one submission).

Conditions:
Achromatopsia 3 (ACHM3). Also called: ACHROMATOPSIA WITH MYOPIA; PINGELAPESE BLINDNESS; TOTAL COLORBLINDNESS WITH MYOPIA; ROD MONOCHROMACY 1; ROD MONOCHROMATISM 1. Identifiers: Orphanet 49382, MedGen C1849792, MONDO:0009875, OMIM 262300.

Submission:

Myriad Genetics, Inc.
Classification: Pathogenic for Achromatopsia 3. Last evaluated: 2023-08-07. Review status: criteria provided, single submitter. Criteria: Myriad Autosomal Dominant, Autosomal Recessive and X-Linked Classification Criteria (2023). Collection method: clinical testing. Allele origin: unknown.
Comment: NM_019098.4(CNGB3):c.1553_1554insAA(I519Tfs*15) is expected to be pathogenic in the context of achromatopsia, CNGB3-related. This variant is predicted to lead to an abnormal or absent protein product due to the creation of a premature termination codon in CNGB3, a gene where loss-of-function variants are known to be pathogenic. Please note: this variant was assessed in the context of healthy population screening.